The following is an entry in ClinVar:

NM_002397.5(MEF2C):c.819dup (p.Val274fs)

Gene: MEF2C (myocyte enhancer factor 2C; minus strand). Cytogenetic location: 5q14.3.
Variant type: Duplication.
Coding change: c.819dup on transcript NM_002397.5 (MANE Select); coding-DNA position 819, one base duplicated (T; older notation c.819dupT).
Protein change: p.Val274fs; shifts the reading frame from valine 274.
Molecular consequence: frameshift variant. On other transcripts: intron variant (16).
Genome position (GRCh38, 1-based): chr5:88,730,226, A duplicated on the plus strand (T on the coding strand, the reverse complement: MEF2C is on the minus strand). VCF-style (leftmost placement, unchanged base first): chr5-88730225-C-CA. GRCh37 (hg19) VCF-style: chr5-88026042-C-CA.
Other names: c.819dupT (NM_002397.5); c.675dup, p.Val226fs (NM_001193349.3, NM_001364332.2, NM_001364344.2 and 2 more transcripts); c.819dup, p.Val274fs (NM_001193350.2, NM_001363581.2, NM_001364329.2 and 9 more transcripts); c.441dup, p.Val148fs (NM_001364353.2, NM_001364356.2); c.811-879dup (NM_001364333.2, NM_001308002.3, NM_001364349.2 and 6 more transcripts); c.805-879dup (NM_001131005.2, NM_001364352.2, NM_001364343.2); c.865-879dup (NM_001193347.1, NM_001364338.2); c.667-879dup (NM_001193348.1); and 1 more; short protein forms V148fs, V226fs, V274fs.
Identifiers: ClinVar variation 4525979 (VCV004525979.1).

ClinVar aggregate classification (germline): Pathogenic (1 of 4 stars; one submission).

Conditions:
Neurodevelopmental disorder with hypotonia, stereotypic hand movements, and impaired language. Also called: Intellectual disability, autosomal dominant 20. Identifiers: Orphanet 228384, Orphanet 664410, MedGen C3150700, MONDO:0013266, OMIM 613443.

Submission:

Women's Health and Genetics/Laboratory Corporation of America, LabCorp
Classification: Pathogenic for Neurodevelopmental disorder with hypotonia, stereotypic hand movements, and impaired language. Last evaluated: 2025-07-11. Review status: criteria provided, single submitter. Criteria: LabCorp Variant Classification Summary - May 2015. Collection method: clinical testing. Allele origin: germline.
Comment: Variant summary: MEF2C c.819dupT (p.Val274CysfsX11) results in a premature termination codon, predicted to cause a truncation of the encoded protein or absence of the protein due to nonsense mediated decay, which are commonly known mechanisms for disease. The frequency data for this variant in gnomAD is considered unreliable, as metrics indicate poor data quality at this position. To our knowledge, no occurrence of c.819dupT in individuals affected with Intellectual Disability, Autosomal Dominant 20 and no experimental evidence demonstrating its impact on protein function have been reported. No submitters have cited clinical-significance assessments for this variant to ClinVar. Based on the evidence outlined above, the variant was classified as pathogenic.